The following is an entry in ClinVar:

ClinVar aggregate classification (germline): Uncertain significance. Review status: criteria provided, multiple submitters, no conflicts (2 of 4 stars). 2 submissions from 2 submitters: Uncertain significance (2). Last evaluated 2025-02-15.

Allele frequency attached by ClinVar (database versions not stated): gnomAD exomes below 0.00001.
gnomAD v4.1: 2 of 1,613,708 alleles (0.00012%); highest among the groups gnomAD compares: Middle Eastern, 0.017%; no homozygotes.

Submissions (2):

Ambry Genetics
Classification: Uncertain significance. Last evaluated: 2025-02-15. Review status: criteria provided, single submitter. Criteria: Ambry Variant Classification Scheme 2023. Collection method: clinical testing. Allele origin: germline.
Comment: The p.L581P variant (also known as c.1742T>C), located in coding exon 15 of the A2ML1 gene, results from a T to C substitution at nucleotide position 1742. The leucine at codon 581 is replaced by proline, an amino acid with similar properties. This amino acid position is conserved. In addition, this alteration is predicted to be deleterious by in silico analysis. Based on the available evidence, the clinical significance of this variant remains unclear.

Labcorp Genetics (formerly Invitae), Labcorp
Classification: Uncertain significance. Last evaluated: 2023-10-18. Review status: criteria provided, single submitter. Criteria: Invitae Variant Classification Sherloc (09022015). Collection method: clinical testing. Allele origin: germline.
Comment: This sequence change replaces leucine, which is neutral and non-polar, with proline, which is neutral and non-polar, at codon 581 of the A2ML1 protein (p.Leu581Pro). This variant is not present in population databases (gnomAD no frequency). This variant has not been reported in the literature in individuals affected with A2ML1-related conditions. An algorithm developed to predict the effect of missense changes on protein structure and function (PolyPhen-2) suggests that this variant is likely to be disruptive. In summary, the available evidence is currently insufficient to determine the role of this variant in disease. Therefore, it has been classified as a Variant of Uncertain Significance.

NM_144670.6(A2ML1):c.1742T>C (p.Leu581Pro)

Gene: A2ML1 (alpha-2-macroglobulin like 1; plus strand). Cytogenetic location: 12p13.31.
Variant type: single nucleotide variant.
Coding change: c.1742T>C on transcript NM_144670.6 (MANE Select); coding-DNA position 1742, T replaced by C.
Protein change: p.Leu581Pro; replaces leucine 581 with proline.
Molecular consequence: missense variant.
Genome position (GRCh38, 1-based): chr12:8,847,607, T>C. VCF-style: chr12-8847607-T-C. GRCh37 (hg19) VCF-style: chr12-9000203-T-C.
Other names: c.1742T>C (NM_144670.3); c.269T>C, p.Leu90Pro (NM_001282424.3); short protein forms L581P, L90P.
Identifiers: ClinVar variation 2721433 (VCV002721433.4), dbSNP rs2136849624, ClinGen allele CA383829476.